The following is an entry in ClinVar:

ClinVar aggregate classification (germline): Conflicting classifications of pathogenicity. Review status: criteria provided, conflicting classifications (1 of 4 stars). 4 submissions from 4 submitters: Uncertain significance (1); Benign (1); Likely benign (1). 1 of the submissions does not count toward it. Last evaluated 2024-05-29.

Conditions:
Inborn genetic diseases. Identifiers: MedGen C0950123, MeSH D030342.
Ovarian cancer. Also called: OVARIAN CANCER, SOMATIC. Identifiers: Orphanet 213500, MedGen C1140680, MONDO:0008170, OMIM 167000.
Fanconi anemia complementation group G. Also called: Fanconi anemia group G; FANCG-Related Fanconi Anemia. Identifiers: Orphanet 84, MedGen C3469527, MONDO:0013565, OMIM 614082.
Fanconi anemia (FA). Also called: Fanconi's anemia. Identifiers: Orphanet 84, MedGen C0015625, MeSH D005199, MONDO:0019391.

Allele frequency attached by ClinVar (database versions not stated): gnomAD exomes 0.00001 and 0.00002; TOPMed 0.00002; ExAC 0.00004.
gnomAD v4.1: 4 of 1,613,916 alleles (0.00025%); highest among the groups gnomAD compares: East Asian, 0.0089%; no homozygotes.

Submissions (4):

Labcorp Genetics (formerly Invitae), Labcorp
Classification: Uncertain significance for Fanconi anemia. Last evaluated: 2024-05-29. Review status: criteria provided, single submitter. Criteria: Invitae Variant Classification Sherloc (09022015). Collection method: clinical testing. Allele origin: germline.
Comment: This sequence change replaces methionine, which is neutral and non-polar, with arginine, which is basic and polar, at codon 431 of the FANCG protein (p.Met431Arg). This variant is present in population databases (rs759285011, gnomAD 0.03%). This variant has not been reported in the literature in individuals affected with FANCG-related conditions. ClinVar contains an entry for this variant (Variation ID: 1014201). Advanced modeling of protein sequence and biophysical properties (such as structural, functional, and spatial information, amino acid conservation, physicochemical variation, residue mobility, and thermodynamic stability) performed at Invitae indicates that this missense variant is not expected to disrupt FANCG protein function with a negative predictive value of 80%. In summary, the available evidence is currently insufficient to determine the role of this variant in disease. Therefore, it has been classified as a Variant of Uncertain Significance.

Ambry Genetics
Classification: Likely benign for Inborn genetic diseases. Last evaluated: 2024-03-21. Review status: criteria provided, single submitter. Criteria: Ambry Variant Classification Scheme 2023. Collection method: clinical testing. Allele origin: germline.

Laboratory of Molecular Epidemiology of Birth Defects, West China Second University Hospital, Sichuan University
Classification: Benign for Ovarian cancer. Last evaluated: 2022-01-01. Review status: criteria provided, single submitter. Criteria: ACMG Guidelines, 2015. Collection method: clinical testing. Allele origin: germline. Affected: yes.

Natera, Inc.
Classification: Uncertain significance for Fanconi anemia group G. Last evaluated: 2020-07-24. Review status: no assertion criteria provided. Collection method: clinical testing. Allele origin: germline. Not counted in ClinVar's aggregate classification.

NM_004629.2(FANCG):c.1292T>G (p.Met431Arg)

Gene: FANCG (FA complementation group G; minus strand). Cytogenetic location: 9p13.3.
Variant type: single nucleotide variant.
Coding change: c.1292T>G on transcript NM_004629.2 (MANE Select); coding-DNA position 1292, T replaced by G.
Protein change: p.Met431Arg; replaces methionine 431 with arginine.
Molecular consequence: missense variant.
Genome position (GRCh38, 1-based): chr9:35,075,606, A>C on the plus strand (T>G on the coding strand, the complement: FANCG is on the minus strand). VCF-style: chr9-35075606-A-C. GRCh37 (hg19) VCF-style: chr9-35075603-A-C.
Other names: c.1292T>G (NM_004629.1); short protein forms M431R.
Identifiers: ClinVar variation 1014201 (VCV001014201.6), dbSNP rs759285011, ClinGen allele CA5039779.